The following is an entry in ClinVar:

NM_023110.3(FGFR1):c.296A>G (p.Tyr99Cys)

Gene: FGFR1 (fibroblast growth factor receptor 1; minus strand). Cytogenetic location: 8p11.23.
Variant type: single nucleotide variant.
Coding change: c.296A>G on transcript NM_023110.3 (MANE Select); coding-DNA position 296, A replaced by G.
Protein change: p.Tyr99Cys; replaces tyrosine 99 with cysteine.
Molecular consequence: missense variant. On other transcripts: intron variant (5).
Genome position (GRCh38, 1-based): chr8:38,429,744, T>C on the plus strand (A>G on the coding strand, the complement: FGFR1 is on the minus strand). VCF-style: chr8-38429744-T-C. GRCh37 (hg19) VCF-style: chr8-38287262-T-C.
Other names: c.296A>G, p.Tyr99Cys (NM_001174063.2, NM_001174065.2, NM_001354367.2 and 2 more transcripts); c.272A>G, p.Tyr91Cys (NM_001174064.2); c.395A>G, p.Tyr132Cys (NM_001174067.2); c.92-1309A>G (NM_001354368.2, NM_001354370.2, NM_023106.3 and 2 more transcripts); short protein forms Y99C, Y91C, Y132C.
Identifiers: ClinVar variation 180156 (VCV000180156.4), dbSNP rs727505373, ClinGen allele CA185888.
Genomic context (GRCh38, chr8:38,429,744, plus strand): 5'-GAAACATTGACGGAGAAGTAGGTGGTGTCACTGCCCGAGGGGCTGCTGGTTACGCAAGCA[T>C]AGAGGCCGGAGTCTGCGGGCACGGAGTCCTGCACCTCCACCTCCTCCCCTGTGATGCGGG-3'
Protein context (NP_075598.2, residues 89-109): QDSVPADSGL[Tyr99Cys]ACVTSSPSGS

ClinVar aggregate classification (germline): Pathogenic/Likely pathogenic. Review status: criteria provided, multiple submitters, no conflicts (2 of 4 stars). 5 submissions from 4 submitters: Pathogenic (3); Likely pathogenic (2). Last evaluated 2025-05-16.

Conditions:
FGFR1-related disorder. Also called: FGFR1-related condition; FGFR1-related disorders. Identifiers: MedGen CN380097.
Hypogonadotropic hypogonadism 2 with or without anosmia (HH2). Also called: HYPOGONADOTROPIC HYPOGONADISM 2 WITHOUT ANOSMIA; HYPOGONADOTROPIC HYPOGONADISM 2 WITH OR WITHOUT ANOSMIA, SUSCEPTIBILITY TO; HYPOGONADOTROPIC HYPOGONADISM 2 WITHOUT ANOSMIA, SUSCEPTIBILITY TO; FGFR1-Related GnRH Deficiency (Kallmann Syndrome 2). Identifiers: Orphanet 478, MedGen C1563720, MONDO:0007844, OMIM 147950. Disease mechanism: loss of function.
Hypogonadotropic hypogonadism 7 with or without anosmia (HH7). Also called: HYPOGONADOTROPIC HYPOGONADISM 7 WITHOUT ANOSMIA; GNRHR-Related GnRH Deficiency. Identifiers: Orphanet 432, MedGen C0342384, MONDO:0007794, OMIM 146110.
Delayed puberty. Identifiers: MedGen C0034012, HP:0000823.

Submissions (5):

Centre for Clinical Genetics and Genomic Diagnostics, Zealand University Hospital
Classification: Pathogenic. Last evaluated: 2025-05-16. Review status: criteria provided, single submitter. Criteria: ACMG Guidelines, 2015. Collection method: clinical testing. Allele origin: germline. Affected: yes.

Blueprint Genetics
Classification: Pathogenic for FGFR1-related disorders. Last evaluated: 2024-02-13. Review status: criteria provided, single submitter. Criteria: ACMG Guidelines, 2015. Collection method: clinical testing. Allele origin: germline. Affected: yes. Observed: 1 variant allele.

Reproductive Endocrine Unit, Massachusetts General Hospital
Classification: Pathogenic for Hypogonadotropic hypogonadism 2 with or without anosmia. Last evaluated: 2023-05-04. Review status: criteria provided, single submitter. Criteria: ACMG Guidelines, 2015. Collection method: research. Allele origin: inherited, unknown. Affected: yes. Observed: 3 variant alleles.
Comment: The variant has been classified as P2 based on the variant meeting the following ACMG Criteria: PS3,PM2,PP3, PP1.

Chan Lab, Boston Children's Hospital
Classification: Likely pathogenic for Hypogonadotrophic hypogonadism. Last evaluated: 2014-11-01. Review status: criteria provided, single submitter. Criteria: Submitter's publication. Collection method: case-control. Allele origin: paternal. Affected: yes. Observed: 1 variant allele.

Chan Lab, Boston Children's Hospital
Classification: Likely pathogenic for Delayed puberty. Last evaluated: 2014-11-01. Review status: criteria provided, single submitter. Criteria: Submitter's publication. Collection method: case-control. Allele origin: paternal. Affected: yes. Observed: 1 variant allele.